The following is an entry in ClinVar:

NM_001042545.2(LTBP4):c.3650_3651insTGCAG (p.Tyr1218fs)

Gene: LTBP4 (latent transforming growth factor beta binding protein 4; plus strand). Cytogenetic location: 19q13.2.
Variant type: Insertion.
Coding change: c.3650_3651insTGCAG on transcript NM_001042545.2 (MANE Select); coding-DNA positions 3650 to 3651, TGCAG inserted.
Protein change: p.Tyr1218fs; shifts the reading frame from tyrosine 1218.
Molecular consequence: frameshift variant.
Genome position: GRCh38 VCF-style: chr19-40623696-G-GGTGCA. GRCh37 (hg19) VCF-style: chr19-41129601-G-GGTGCA.
Other names: c.3851_3852insTGCAG, p.Tyr1285fs (NM_001042544.1); c.3740_3741insTGCAG, p.Tyr1248fs (NM_003573.2); short protein forms Y1285fs, Y1218fs, Y1248fs.
Identifiers: ClinVar variation 4723119 (VCV004723119.1).
Genomic context (GRCh38, chr19:40,623,696, plus strand): 5'-GTGTGCAAGAGTGGCGTGTGTGTGAACACGGCCCCGGGCTACTCATGCTATTGCAGCAAC[G>GGTGCA]GCTACTACTACCACACACAGCGGCTGGAGTGCATCGGTACAAGCCCCACCTCCCCCAACC-3'

ClinVar aggregate classification (germline): Pathogenic (1 of 4 stars; one submission).

Submission:

Labcorp Genetics (formerly Invitae), Labcorp
Classification: Pathogenic. Last evaluated: 2025-07-13. Review status: criteria provided, single submitter. Criteria: Invitae Variant Classification Sherloc (09022015). Collection method: clinical testing. Allele origin: germline.
Comment: This sequence change creates a premature translational stop signal (p.Tyr1248Alafs*146) in the LTBP4 gene. It is expected to result in an absent or disrupted protein product. Loss-of-function variants in LTBP4 are known to be pathogenic (PMID: 19836010, 22829427). This variant is not present in population databases (gnomAD no frequency). This variant has not been reported in the literature in individuals affected with LTBP4-related conditions. For these reasons, this variant has been classified as Pathogenic.

Literature cited by the submitters: PubMed 19836010; PubMed 22829427.